The following is an entry in ClinVar:

ClinVar aggregate classification (germline): Uncertain significance (1 of 4 stars; one submission).

Allele frequency attached by ClinVar (database versions not stated): gnomAD exomes 0.00001.
gnomAD v4.1: 3 of 1,417,238 alleles (0.00021%); highest among the groups gnomAD compares: Non-Finnish European, 0.00028%; no homozygotes.

Submission:

Labcorp Genetics (formerly Invitae), Labcorp
Classification: Uncertain significance. Last evaluated: 2017-08-06. Review status: criteria provided, single submitter. Criteria: Invitae Variant Classification Sherloc (09022015). Collection method: clinical testing. Allele origin: germline.
Comment: In summary, the available evidence is currently insufficient to determine the role of this variant in disease. Therefore, it has been classified as a Variant of Uncertain Significance. Algorithms developed to predict the effect of missense changes on protein structure and function (SIFT, PolyPhen-2, Align-GVGD) all suggest that this variant is likely to be tolerated, but these predictions have not been confirmed by published functional studies and their clinical significance is uncertain. This variant has not been reported in the literature in individuals with FGFR3-related disease. While this variant is not present in population databases, the frequency information is unreliable, as metrics indicate poor data quality at this position in the ExAC database. This sequence change replaces glycine with glutamic acid at codon 26 of the FGFR3 protein (p.Gly26Glu). The glycine residue is weakly conserved and there is a moderate physicochemical difference between glycine and glutamic acid.

NM_000142.5(FGFR3):c.77G>A (p.Gly26Glu)

Gene: FGFR3 (fibroblast growth factor receptor 3; plus strand). Cytogenetic location: 4p16.3.
Variant type: single nucleotide variant.
Coding change: c.77G>A on transcript NM_000142.5 (MANE Select); coding-DNA position 77, G replaced by A.
Protein change: p.Gly26Glu; replaces glycine 26 with glutamic acid.
Molecular consequence: missense variant. On other transcripts: non-coding transcript variant (1).
Genome position (GRCh38, 1-based): chr4:1,794,011, G>A. VCF-style: chr4-1794011-G-A. GRCh37 (hg19) VCF-style: chr4-1795738-G-A.
Other names: c.77G>A, p.Gly26Glu (NM_001163213.2, NM_001354809.2, NM_001354810.2 and 1 more transcripts); short protein forms G26E.
Identifiers: ClinVar variation 465357 (VCV000465357.10), dbSNP rs1221876688, ClinGen allele CA355985968.
Genomic context (GRCh38, chr4:1,794,011, plus strand): 5'-GCGCCCTCGCGCTCTGCGTGGCCGTGGCCATCGTGGCCGGCGCCTCCTCGGAGTCCTTGG[G>A]GACGGAGCAGCGCGTCGTGGGGCGAGCGGCAGGTAAGAAGGGACCCACTAGGCACGGGAG-3'
Protein context (NP_000133.1, residues 16-36): IVAGASSESL[Gly26Glu]TEQRVVGRAA